The following is an entry in ClinVar:

ClinVar aggregate classification (germline): Uncertain significance (1 of 4 stars; one submission).

Conditions:
Wilson disease (WND). Also called: Wilson's disease. Identifiers: Orphanet 905, MedGen C0019202, MONDO:0010200, OMIM 277900. Disease mechanism: loss of function.

Submission:

Labcorp Genetics (formerly Invitae), Labcorp
Classification: Uncertain significance for Wilson disease. Last evaluated: 2025-08-26. Review status: criteria provided, single submitter. Criteria: Invitae Variant Classification Sherloc (09022015). Collection method: clinical testing. Allele origin: germline.
Comment: This sequence change replaces alanine, which is neutral and non-polar, with valine, which is neutral and non-polar, at codon 1443 of the ATP7B protein (p.Ala1443Val). This variant is not present in population databases (gnomAD no frequency). This variant has not been reported in the literature in individuals affected with ATP7B-related conditions. Invitae Evidence Modeling of protein sequence and biophysical properties (such as structural, functional, and spatial information, amino acid conservation, physicochemical variation, residue mobility, and thermodynamic stability) indicates that this missense variant is not expected to disrupt ATP7B protein function with a negative predictive value of 95%. In summary, the available evidence is currently insufficient to determine the role of this variant in disease. Therefore, it has been classified as a Variant of Uncertain Significance.

NM_000053.4(ATP7B):c.4328C>T (p.Ala1443Val)

Gene: ATP7B (ATPase copper transporting beta; minus strand). Cytogenetic location: 13q14.3.
Variant type: single nucleotide variant.
Coding change: c.4328C>T on transcript NM_000053.4 (MANE Select); coding-DNA position 4328, C replaced by T.
Protein change: p.Ala1443Val; replaces alanine 1443 with valine.
Molecular consequence: missense variant.
Genome position (GRCh38, 1-based): chr13:51,934,826, G>A on the plus strand (C>T on the coding strand, the complement: ATP7B is on the minus strand). VCF-style: chr13-51934826-G-A. GRCh37 (hg19) VCF-style: chr13-52508962-G-A.
Other names: c.3707C>T, p.Ala1236Val (NM_001005918.3); c.3995C>T, p.Ala1332Val (NM_001243182.2); c.4094C>T, p.Ala1365Val (NM_001330578.2, NM_001406527.1, NM_001406528.1); c.4076C>T, p.Ala1359Val (NM_001330579.2, NM_001406531.1, NM_001406532.1); c.4328C>T, p.Ala1443Val (NM_001406511.1, NM_001406512.1); c.4322C>T, p.Ala1441Val (NM_001406513.1); c.4295C>T, p.Ala1432Val (NM_001406514.1); c.4274C>T, p.Ala1425Val (NM_001406515.1, NM_001406516.1); and 21 more; short protein forms A1013V, A1162V, A1216V, A1227V, A1236V, A1249V, A1279V, A1281V.
Identifiers: ClinVar variation 4802373 (VCV004802373.1).